The following is an entry in ClinVar:

ClinVar aggregate classification (germline): Uncertain significance (1 of 4 stars; one submission).

Submission:

GeneDx
Classification: Uncertain significance. Last evaluated: 2025-07-05. Review status: criteria provided, single submitter. Criteria: GeneDx Variant Classification Process June 2021. Collection method: clinical testing. Allele origin: germline. Affected: yes.
Comment: Not observed at significant frequency in large population cohorts (gnomAD); Nonsense variant predicted to result in protein truncation or nonsense mediated decay in a gene or region of a gene for which loss of function is not a well-established mechanism of disease; Has not been previously published as pathogenic or benign to our knowledge; Variants in candidate genes are classified as variants of uncertain significance in accordance with ACMG guidelines (PMID: 25741868)

NM_032999.4(GTF2I):c.655A>T (p.Lys219Ter)

Genes: GTF2I (general transcription factor IIi; plus strand), GTF2I-AS1 (GTF2I antisense RNA 1; minus strand). Cytogenetic location: 7q11.23.
Variant type: single nucleotide variant.
Coding change: c.655A>T on transcript NM_032999.4 (MANE Select); coding-DNA position 655, A replaced by T.
Protein change: p.Lys219Ter; replaces lysine 219 with a stop codon.
Molecular consequence: nonsense.
Genome position (GRCh38, 1-based): chr7:74,706,403, A>T. VCF-style: chr7-74706403-A-T. GRCh37 (hg19) VCF-style: chr7-74120734-A-T.
Other names: c.655A>T, p.Lys219Ter (NM_001163636.3, NM_001280800.2, NM_001518.5 and 2 more transcripts); short protein forms K219*.
Identifiers: ClinVar variation 4681168 (VCV004681168.1).
Genomic context (GRCh38, chr7:74,706,403, plus strand): 5'-GGCTGTCACCAGCACGTGGCTTGATCAGGGCTTTCTTCTCCTTGCAGTTGTGGCCCCATC[A>T]AAGTGAAAACTGAACCCACAGAAGATTCTGGTATGTACTAGCACTTTTAGAATCAATGGT-3'